The following is an entry in ClinVar:

ClinVar aggregate classification (germline): Benign. Review status: criteria provided, multiple submitters, no conflicts (2 of 4 stars). 2 submissions from 2 submitters: Benign (2). Last evaluated 2018-06-18.

Allele frequency attached by ClinVar (database versions not stated): TOPMed 0.44489; 1000 Genomes Project 30x 0.49984; 1000 Genomes Project 0.50160.
gnomAD v4.1: 608,744 of 1,301,582 alleles (47%); highest among the groups gnomAD compares: East Asian, 58%; 145,516 homozygotes.

Submissions (2):

GeneDx
Classification: Benign. Last evaluated: 2018-06-18. Review status: criteria provided, single submitter. Criteria: GeneDx Variant Classification (06012015). Collection method: clinical testing. Allele origin: germline. Affected: yes.
Comment: This variant is considered likely benign or benign based on one or more of the following criteria: it is a conservative change, it occurs at a poorly conserved position in the protein, it is predicted to be benign by multiple in silico algorithms, and/or has population frequency not consistent with disease.

Breakthrough Genomics
Classification: Benign. Review status: criteria provided, single submitter. Criteria: ACMG Guidelines, 2015. Collection method: not provided. Allele origin: germline. Inheritance: Autosomal dominant inheritance. Affected: yes.

NM_001844.5(COL2A1):c.2193+101G>T

Gene: COL2A1 (collagen type II alpha 1 chain; minus strand). Cytogenetic location: 12q13.11.
Variant type: single nucleotide variant.
Coding change: c.2193+101G>T on transcript NM_001844.5 (MANE Select); 101 bases into the intron after coding-DNA position 2193, G replaced by T.
Molecular consequence: intron variant.
Genome position (GRCh38, 1-based): chr12:47,982,747, C>A on the plus strand (G>T on the coding strand, the complement: COL2A1 is on the minus strand). VCF-style: chr12-47982747-C-A. GRCh37 (hg19) VCF-style: chr12-48376530-C-A.
Other names: c.1986+101G>T (NM_033150.3).
Identifiers: ClinVar variation 674839 (VCV000674839.2), dbSNP rs11168337, ClinGen allele CA13646572.